The following is an entry in ClinVar:

ClinVar aggregate classification (germline): Uncertain significance (1 of 4 stars; one submission).

Conditions:
Charcot-Marie-Tooth disease dominant intermediate B (CMTDIB). Also called: CHARCOT-MARIE-TOOTH NEUROPATHY, DOMINANT INTERMEDIATE B; Charcot-Marie-Tooth disease dominant intermediate 1; CMT DI1; Charcot-Marie-Tooth disease dominant intermediate I. Identifiers: Orphanet 100044, Orphanet 228179, MedGen C1847902, MONDO:0011674, OMIM 606482.

Allele frequency attached by ClinVar (database versions not stated): gnomAD exomes below 0.00001; ExAC 0.00001.

Submission:

Labcorp Genetics (formerly Invitae), Labcorp
Classification: Uncertain significance for Charcot-Marie-Tooth disease dominant intermediate B. Last evaluated: 2023-07-18. Review status: criteria provided, single submitter. Criteria: Invitae Variant Classification Sherloc (09022015). Collection method: clinical testing. Allele origin: germline.
Comment: This sequence change replaces isoleucine, which is neutral and non-polar, with threonine, which is neutral and polar, at codon 481 of the DNM2 protein (p.Ile481Thr). In summary, the available evidence is currently insufficient to determine the role of this variant in disease. Therefore, it has been classified as a Variant of Uncertain Significance. Advanced modeling of protein sequence and biophysical properties (such as structural, functional, and spatial information, amino acid conservation, physicochemical variation, residue mobility, and thermodynamic stability) has been performed at Invitae for this missense variant, however the output from this modeling did not meet the statistical confidence thresholds required to predict the impact of this variant on DNM2 protein function. This variant has not been reported in the literature in individuals affected with DNM2-related conditions. The frequency data for this variant in the population databases is considered unreliable, as metrics indicate poor data quality at this position in the gnomAD database.

NM_001005361.3(DNM2):c.1442T>C (p.Ile481Thr)

Gene: DNM2 (dynamin 2; plus strand). Cytogenetic location: 19p13.2.
Variant type: single nucleotide variant.
Coding change: c.1442T>C on transcript NM_001005361.3 (MANE Select); coding-DNA position 1442, T replaced by C.
Protein change: p.Ile481Thr; replaces isoleucine 481 with threonine.
Molecular consequence: missense variant.
Genome position (GRCh38, 1-based): chr19:10,802,307, T>C. VCF-style: chr19-10802307-T-C. GRCh37 (hg19) VCF-style: chr19-10912983-T-C.
Other names: c.1442T>C, p.Ile481Thr (NM_001005360.3, NM_001005362.3, NM_001190716.2 and 1 more transcripts); short protein forms I481T.
Identifiers: ClinVar variation 3016591 (VCV003016591.3), dbSNP rs765492388, ClinGen allele CA9201167.
Genomic context (GRCh38, chr19:10,802,307, plus strand): 5'-GGCTTGGCCTTGTACTCACAGTGACCCCCGCTCTCCCCCAGATTCTTCTGCTGATCGACA[T>C]TGAGCAGTCCTACATCAACACGAACCATGAGGACTTCATCGGGTTTGCCAAGTAGGTACT-3'
Protein context (NP_001005361.1, residues 471-491): TKDQILLLID[Ile481Thr]EQSYINTNHE